The following is an entry in ClinVar:

NM_001378120.1(MBD5):c.2288A>G (p.Asn763Ser)

Gene: MBD5 (methyl-CpG binding domain protein 5; plus strand). Cytogenetic location: 2q23.1.
Variant type: single nucleotide variant.
Coding change: c.2288A>G on transcript NM_001378120.1 (MANE Select); coding-DNA position 2288, A replaced by G.
Protein change: p.Asn763Ser; replaces asparagine 763 with serine.
Molecular consequence: missense variant.
Genome position (GRCh38, 1-based): chr2:148,470,231, A>G. VCF-style: chr2-148470231-A-G. GRCh37 (hg19) VCF-style: chr2-149227800-A-G.
Other names: c.2288A>G, p.Asn763Ser (NM_018328.5); short protein forms N763S.
Identifiers: ClinVar variation 808809 (VCV000808809.46), dbSNP rs1294270968, ClinGen allele CA348721532.

ClinVar aggregate classification (germline): Conflicting classifications of pathogenicity. Review status: criteria provided, conflicting classifications (1 of 4 stars). 2 submissions from 2 submitters: Uncertain significance (1); Likely benign (1). Last evaluated 2025-08-01.

Conditions:
Intellectual developmental disorder, autosomal dominant 1. Also called: Intellectual disability, autosomal dominant 1; MBD5 Haploinsufficiency. Identifiers: Orphanet 228402, MedGen C1969562, MONDO:0007974, OMIM 156200.

Allele frequency attached by ClinVar (database versions not stated): gnomAD exomes below 0.00001 and 0.00001; gnomAD 0.00001; TOPMed below 0.00001.
gnomAD v4.1: 10 of 1,613,836 alleles (0.00062%); highest among the groups gnomAD compares: East Asian, 0.0022%; no homozygotes.

Submissions (2):

CeGaT Center for Human Genetics Tuebingen
Classification: Likely benign. Last evaluated: 2025-08-01. Review status: criteria provided, single submitter. Criteria: CeGaT Center For Human Genetics Tuebingen Variant Classification Criteria Version 2. Collection method: clinical testing. Allele origin: germline. Affected: yes. Observed: 2 variant alleles.
Comment: MBD5: BP4

Labcorp Genetics (formerly Invitae), Labcorp
Classification: Uncertain significance for Intellectual developmental disorder, autosomal dominant 1. Last evaluated: 2024-02-06. Review status: criteria provided, single submitter. Criteria: Invitae Variant Classification Sherloc (09022015). Collection method: clinical testing. Allele origin: germline.
Comment: This sequence change replaces asparagine, which is neutral and polar, with serine, which is neutral and polar, at codon 763 of the MBD5 protein (p.Asn763Ser). This variant is present in population databases (no rsID available, gnomAD 0.0009%). This variant has not been reported in the literature in individuals affected with MBD5-related conditions. ClinVar contains an entry for this variant (Variation ID: 808809). Advanced modeling of protein sequence and biophysical properties (such as structural, functional, and spatial information, amino acid conservation, physicochemical variation, residue mobility, and thermodynamic stability) performed at Invitae indicates that this missense variant is not expected to disrupt MBD5 protein function with a negative predictive value of 80%. In summary, the available evidence is currently insufficient to determine the role of this variant in disease. Therefore, it has been classified as a Variant of Uncertain Significance.